The following is an entry in ClinVar:

ClinVar aggregate classification (germline): Benign. Review status: criteria provided, single submitter (1 of 4 stars). 2 submissions from 2 submitters: Benign (1). 1 of the submissions does not count toward it. Last evaluated 2019-01-10.

Allele frequency attached by ClinVar (database versions not stated): TOPMed 0.61565; 1000 Genomes Project 0.61721; gnomAD 0.61786 and 0.61973; 1000 Genomes Project 30x 0.62086; gnomAD exomes 0.62880.
gnomAD v4.1: 793,884 of 1,266,096 alleles (63%); highest among the groups gnomAD compares: Admixed American, 68%; 249,991 homozygotes.

Submissions (2):

GeneDx
Classification: Benign. Last evaluated: 2019-01-10. Review status: criteria provided, single submitter. Criteria: GeneDx Variant Classification Process June 2021. Collection method: clinical testing. Allele origin: germline. Affected: yes.

Leiden Open Variation Database
Classification: Uncertain significance. Last evaluated: 2011-02-07. Review status: no assertion criteria provided. Collection method: curation. Allele origin: germline. Affected: yes. Not counted in ClinVar's aggregate classification.
Comment: Curator: Arleen D. Auerbach. Submitter to LOVD: Arleen D. Auerbach.

NM_021922.3(FANCE):c.248+58A>C

Genes: FANCE (FA complementation group E; plus strand), LOC129996245 (ATAC-STARR-seq lymphoblastoid silent region 17092; plus strand). Cytogenetic location: 6p21.31.
Variant type: single nucleotide variant.
Coding change: c.248+58A>C on transcript NM_021922.3 (MANE Select); 58 bases into the intron after coding-DNA position 248, A replaced by C.
Molecular consequence: intron variant.
Genome position (GRCh38, 1-based): chr6:35,452,851, A>C. VCF-style: chr6-35452851-A-C. GRCh37 (hg19) VCF-style: chr6-35420628-A-C.
Identifiers: ClinVar variation 929571 (VCV000929571.2), dbSNP rs9470029, ClinGen allele CA12233226.